The following is an entry in ClinVar:

ClinVar aggregate classification (germline): Uncertain significance. Review status: criteria provided, single submitter (1 of 4 stars). 2 submissions from 1 submitter: Uncertain significance (1). 1 of the submissions does not count toward it. Last evaluated 2022-02-06.

Conditions:
X-linked distal spinal muscular atrophy type 3. Also called: NEURONOPATHY, DISTAL HEREDITARY MOTOR, X-LINKED; NEUROPATHY, DISTAL HEREDITARY MOTOR, X-LINKED; ATP7A-Related Distal Motor Neuropathy; SPINAL MUSCULAR ATROPHY, DISTAL, X-LINKED RECESSIVE. Identifiers: Orphanet 139557, MedGen C1845359, MONDO:0010338, OMIM 300489.
Menkes kinky-hair syndrome (MNK). Also called: Classic Menkes Disease; Copper transport disease; Menkes Disease. Identifiers: Orphanet 565, MedGen C0022716, MONDO:0010651, OMIM 309400.
Cutis laxa, X-linked (OHS). Also called: EDS IX; Occipital horn syndrome. Identifiers: Orphanet 198, MedGen C0268353, MONDO:0010572, OMIM 304150.

Submissions (2):

Labcorp Genetics (formerly Invitae), Labcorp
Classification: Uncertain significance. Last evaluated: 2022-02-06. Review status: criteria provided, single submitter. Criteria: Invitae Variant Classification Sherloc (09022015). Collection method: clinical testing. Allele origin: germline.
Comment: A copy number gain of the genomic region encompassing the full coding sequence of the PGK1 gene has been identified. The boundaries of this event are unknown as they extend beyond the assayed region for this gene and therefore may encompass additional genes. As the precise location of this event is unknown, it may be in tandem or it may be located elsewhere in the genome. This variant has not been reported in the literature in individuals affected with PGK1-related conditions. In summary, the available evidence is currently insufficient to determine the role of this variant in disease. Therefore, it has been classified as a Variant of Uncertain Significance.

Labcorp Genetics (formerly Invitae), Labcorp
Classification: Uncertain significance for X-linked distal spinal muscular atrophy type 3; Cutis laxa, X-linked; Menkes kinky-hair syndrome. Last evaluated: 2022-06-21. Review status: flagged submission. Criteria: Invitae Variant Classification Sherloc (09022015). Collection method: clinical testing. Allele origin: germline. Not counted in ClinVar's aggregate classification.
Comment: A copy number gain of the genomic region encompassing the full coding sequence of the ATP7A gene has been identified. The boundaries of this event are unknown as they extend beyond the assayed region for this gene and therefore may encompass additional genes. As the precise location of this event is unknown, it may be in tandem or it may be located elsewhere in the genome. This variant has not been reported in the literature in individuals affected with ATP7A-related conditions. In summary, the available evidence is currently insufficient to determine the role of this variant in disease. Therefore, it has been classified as a Variant of Uncertain Significance.
ClinVar note: Reason: This record appears to be redundant with a more recent record from the same submitter.
ClinVar note: Notes: SCV003790147 appears to be redundant with SCV003792079.

NC_000023.10:g.(?_77227139)_(77381327_?)dup

Genes: ATP7A (ATPase copper transporting alpha; plus strand), PGK1 (phosphoglycerate kinase 1; plus strand). Cytogenetic location: Xq21.1.
Variant type: Duplication.
Identifiers: ClinVar variation 2422238 (VCV002422238.4).